The following is an entry in ClinVar:

ClinVar aggregate classification (germline): Pathogenic/Likely pathogenic. Review status: criteria provided, multiple submitters, no conflicts (2 of 4 stars). 2 submissions from 2 submitters: Pathogenic (1); Likely pathogenic (1). Last evaluated 2026-09-08.

Conditions:
Fabry disease. Also called: Fabry's disease; Angiokeratoma corporis diffusum; CERAMIDE TRIHEXOSIDASE DEFICIENCY; GLA DEFICIENCY; HEREDITARY DYSTOPIC LIPIDOSIS; ALPHA-GALACTOSIDASE A DEFICIENCY. Identifiers: Orphanet 324, MedGen C0002986, MONDO:0010526, OMIM 301500, HP:0001071. Disease mechanism: loss of function, Fabry disease is due to inactivating mutations in the X-linked GLA gene resulting in deficiency of the enzyme Alpha Galactosidase-A..

Submissions (2):

Genomenon, Inc
Classification: Pathogenic for Fabry disease. Last evaluated: 2026-09-08. Review status: criteria provided, single submitter. Criteria: Genomenon Sequence Variant Interpretation Standards - Updated. Collection method: curation. Allele origin: germline. Affected: yes.
Comment: GLA p.Ser401PhefsTer33 (c.1201dup) is a frameshift variant that is predicted to introduce a premature termination codon and result in a truncated or absent protein product. This variant has been observed in at least one proband with clinical features consistent with Fabry disease (PMID:15776423). It is absent or not present at a significant frequency in gnomAD. In conclusion, we classify GLA p.Ser401PhefsTer33 (c.1201dup) as a pathogenic variant.

Women's Health and Genetics/Laboratory Corporation of America, LabCorp
Classification: Likely pathogenic for Fabry disease. Last evaluated: 2019-08-06. Review status: criteria provided, single submitter. Criteria: LabCorp Variant Classification Summary - May 2015. Collection method: clinical testing. Allele origin: germline.
Comment: Variant summary: GLA c.1201dupT (p.Ser401PhefsX36+) causes a frameshift which results in an extension of the protein. The variant was absent in 183471 control chromosomes (gnomAD). c.1201dupT has been reported in the literature in at least one individual affected with Fabry Disease (Schafer_2005). These data do not allow any conclusion about variant significance. To our knowledge, no experimental evidence demonstrating an impact on protein function has been reported. No clinical diagnostic laboratories have submitted clinical-significance assessments for this variant to ClinVar after 2014. Based on the evidence outlined above, the variant was classified as likely pathogenic.

Literature cited by the submitters: PubMed 15776423 (cited by Genomenon, Inc and Women's Health and Genetics/Laboratory Corporation of America, LabCorp).

NM_000169.3(GLA):c.1201dup (p.Ser401fs)

Genes: GLA (galactosidase alpha; minus strand), RPL36A-HNRNPH2 (RPL36A-HNRNPH2 readthrough; plus strand). Cytogenetic location: Xq22.1.
Variant type: Duplication.
Coding change: c.1201dup on transcript NM_000169.3 (MANE Select); coding-DNA position 1201, one base duplicated (T; older notation c.1201dupT).
Protein change: p.Ser401fs; shifts the reading frame from serine 401.
Molecular consequence: frameshift variant. On other transcripts: non-coding transcript variant (3), intron variant (2).
Genome position (GRCh38, 1-based): chrX:101,397,898, A duplicated on the plus strand (T on the coding strand, the reverse complement: GLA is on the minus strand); the first of 2 consecutive A bases (chrX:101,397,898-101,397,899); duplicating either gives the same sequence. VCF-style (leftmost placement, unchanged base first): chrX-101397897-G-GA. GRCh37 (hg19) VCF-style: chrX-100652885-G-GA.
Other names: c.1201dup (NM_000169.2); c.1324dup, p.Ser442fs (NM_001406747.1); c.300+2442dup (NM_001199973.2); c.177+6077dup (NM_001199974.2); short protein forms S401fs, S442fs.
Identifiers: ClinVar variation 928731 (VCV000928731.3), dbSNP rs1928120091, ClinGen allele CA1139667713.